The following is an entry in ClinVar:

NM_001136472.2(LITAF):c.458C>T (p.Ala153Val)

Gene: LITAF (lipopolysaccharide induced TNF factor; minus strand). Cytogenetic location: 16p13.13.
Variant type: single nucleotide variant.
Coding change: c.458C>T on transcript NM_001136472.2 (MANE Select); coding-DNA position 458, C replaced by T.
Protein change: p.Ala153Val; replaces alanine 153 with valine.
Molecular consequence: missense variant. On other transcripts: 3 prime UTR variant (1), non-coding transcript variant (1).
Genome position (GRCh38, 1-based): chr16:11,549,665, G>A on the plus strand (C>T on the coding strand, the complement: LITAF is on the minus strand). VCF-style: chr16-11549665-G-A. GRCh37 (hg19) VCF-style: chr16-11643521-G-A.
Other names: c.458C>T (NM_004862.3); c.*97C>T (NM_001136473.1); c.458C>T, p.Ala153Val (NM_004862.4); short protein forms A153V.
Identifiers: ClinVar variation 2764275 (VCV002764275.4), dbSNP rs760018833, ClinGen allele CA7904014.
Genomic context (GRCh38, chr16:11,549,665, plus strand): 5'-GGCACCCGGCTCCCTCCACGTCTGGCTGAGTCCTACAAACGCTTGTAGGTGCCCAGGAGA[G>A]CTCTGCAGTTGGGACAGTAATGGTCCACGTCCTGCAGGGCATCCACGCAGAAGGGGATGA-3'
Protein context (NP_001129944.1, residues 143-161): DVDHYCPNCR[Ala153Val]LLGTYKRL

ClinVar aggregate classification (germline): Uncertain significance. Review status: criteria provided, multiple submitters, no conflicts (2 of 4 stars). 2 submissions from 2 submitters: Uncertain significance (2). Last evaluated 2025-03-16.

Conditions:
Inborn genetic diseases. Identifiers: MedGen C0950123, MeSH D030342.
Charcot-Marie-Tooth disease type 1C. Also called: CHARCOT-MARIE-TOOTH DISEASE, DEMYELINATING, TYPE 1C; CMT, SLOW NERVE CONDUCTION TYPE C; HMSN IC; CHARCOT-MARIE-TOOTH NEUROPATHY, TYPE 1C; NEUROPATHY, HEREDITARY MOTOR AND SENSORY, TYPE IC; Charcot-Marie-Tooth disease, type IC. Identifiers: Orphanet 101083, MedGen C0270913, MONDO:0010995, OMIM 601098.

Allele frequency attached by ClinVar (database versions not stated): gnomAD exomes below 0.00001; TOPMed below 0.00001; ExAC 0.00001.
gnomAD v4.1: 2 of 1,613,596 alleles (0.00012%); highest among the groups gnomAD compares: Admixed American, 0.0017%; no homozygotes.

Submissions (2):

Ambry Genetics
Classification: Uncertain significance for Inborn genetic diseases. Last evaluated: 2025-03-16. Review status: criteria provided, single submitter. Criteria: Ambry Variant Classification Scheme 2023. Collection method: clinical testing. Allele origin: germline.

Labcorp Genetics (formerly Invitae), Labcorp
Classification: Uncertain significance for Charcot-Marie-Tooth disease type 1C. Last evaluated: 2023-10-05. Review status: criteria provided, single submitter. Criteria: Invitae Variant Classification Sherloc (09022015). Collection method: clinical testing. Allele origin: germline.
Comment: This sequence change replaces alanine, which is neutral and non-polar, with valine, which is neutral and non-polar, at codon 153 of the LITAF protein (p.Ala153Val). This variant is present in population databases (rs760018833, gnomAD 0.003%). This variant has not been reported in the literature in individuals affected with LITAF-related conditions. Algorithms developed to predict the effect of missense changes on protein structure and function output the following: SIFT: "Not Available"; PolyPhen-2: "Benign"; Align-GVGD: "Not Available". The valine amino acid residue is found in multiple mammalian species, which suggests that this missense change does not adversely affect protein function. In summary, the available evidence is currently insufficient to determine the role of this variant in disease. Therefore, it has been classified as a Variant of Uncertain Significance.